The following is an entry in ClinVar:

ClinVar aggregate classification (germline): Uncertain significance (1 of 4 stars; one submission).

gnomAD v4.1: 2 of 1,614,194 alleles (0.00012%); highest among the groups gnomAD compares: Non-Finnish European, 0.00017%; no homozygotes.

Submission:

Labcorp Genetics (formerly Invitae), Labcorp
Classification: Uncertain significance. Last evaluated: 2021-11-10. Review status: criteria provided, single submitter. Criteria: Invitae Variant Classification Sherloc (09022015). Collection method: clinical testing. Allele origin: germline.
Comment: This sequence change replaces serine, which is neutral and polar, with proline, which is neutral and non-polar, at codon 923 of the NBAS protein (p.Ser923Pro). This variant is not present in population databases (gnomAD no frequency). This variant has not been reported in the literature in individuals affected with NBAS-related conditions. Algorithms developed to predict the effect of missense changes on protein structure and function output the following: SIFT: "Deleterious"; PolyPhen-2: "Benign"; Align-GVGD: "Class C65". The proline amino acid residue is found in multiple mammalian species, which suggests that this missense change does not adversely affect protein function. In summary, the available evidence is currently insufficient to determine the role of this variant in disease. Therefore, it has been classified as a Variant of Uncertain Significance.

NM_015909.4(NBAS):c.2767T>C (p.Ser923Pro)

Gene: NBAS (NBAS subunit of NRZ tethering complex; minus strand). Cytogenetic location: 2p24.3.
Variant type: single nucleotide variant.
Coding change: c.2767T>C on transcript NM_015909.4 (MANE Select); coding-DNA position 2767, T replaced by C.
Protein change: p.Ser923Pro; replaces serine 923 with proline.
Molecular consequence: missense variant. On other transcripts: non-coding transcript variant (1).
Genome position (GRCh38, 1-based): chr2:15,415,716, A>G on the plus strand (T>C on the coding strand, the complement: NBAS is on the minus strand). VCF-style: chr2-15415716-A-G. GRCh37 (hg19) VCF-style: chr2-15555840-A-G.
Other names: short protein forms S923P.
Identifiers: ClinVar variation 1507708 (VCV001507708.6), dbSNP rs2148459613, ClinGen allele CA345885969.